The following is an entry in ClinVar:

NM_016139.4(CHCHD2):c.445G>A (p.Gly149Arg)

Gene: CHCHD2 (coiled-coil-helix-coiled-coil-helix domain containing 2; minus strand). Cytogenetic location: 7p11.2.
Variant type: single nucleotide variant.
Coding change: c.445G>A on transcript NM_016139.4 (MANE Select); coding-DNA position 445, G replaced by A.
Protein change: p.Gly149Arg; replaces glycine 149 with arginine.
Molecular consequence: missense variant.
Genome position (GRCh38, 1-based): chr7:56,102,867, C>T on the plus strand (G>A on the coding strand, the complement: CHCHD2 is on the minus strand). VCF-style: chr7-56102867-C-T. GRCh37 (hg19) VCF-style: chr7-56170560-C-T.
Other names: c.445G>A, p.Gly149Ser (NM_001320327.2); short protein forms G149R, G149S.
Identifiers: ClinVar variation 4697524 (VCV004697524.1).

ClinVar aggregate classification (germline): Uncertain significance (1 of 4 stars; one submission).

gnomAD v4.1: 13 of 1,613,720 alleles (0.00081%); highest among the groups gnomAD compares: East Asian, 0.0045%; no homozygotes.

Submission:

Labcorp Genetics (formerly Invitae), Labcorp
Classification: Uncertain significance. Last evaluated: 2025-12-19. Review status: criteria provided, single submitter. Criteria: Invitae Variant Classification Sherloc (09022015). Collection method: clinical testing. Allele origin: germline.
Comment: This sequence change replaces glycine, which is neutral and non-polar, with arginine, which is basic and polar, at codon 149 of the CHCHD2 protein (p.Gly149Arg). This variant also falls at the last nucleotide of exon 3, which is part of the consensus splice site for this exon. This variant is present in population databases (rs368281619, gnomAD 0.01%). This variant has not been reported in the literature in individuals affected with CHCHD2-related conditions. An algorithm developed to predict the effect of missense changes on protein structure and function (PolyPhen-2) suggests that this variant is likely to be disruptive. Variants that disrupt the consensus splice site are a relatively common cause of aberrant splicing (PMID: 17576681, 9536098). Algorithms developed to predict the effect of sequence changes on RNA splicing suggest that this variant may disrupt the consensus splice site. In summary, the available evidence is currently insufficient to determine the role of this variant in disease. Therefore, it has been classified as a Variant of Uncertain Significance.

Literature cited by the submitters: PubMed 17576681; PubMed 9536098.